The following is an entry in ClinVar:

ClinVar aggregate classification (germline): Uncertain significance (1 of 4 stars; one submission).

gnomAD v4.1: 1 of 1,614,156 alleles (0.000062%); highest among the groups gnomAD compares: African/African-American, 0.0013%; no homozygotes.

Submission:

Labcorp Genetics (formerly Invitae), Labcorp
Classification: Uncertain significance. Last evaluated: 2025-08-17. Review status: criteria provided, single submitter. Criteria: Invitae Variant Classification Sherloc (09022015). Collection method: clinical testing. Allele origin: germline.
Comment: This sequence change replaces threonine, which is neutral and polar, with asparagine, which is neutral and polar, at codon 515 of the MBD4 protein (p.Thr515Asn). This variant is not present in population databases (gnomAD no frequency). This variant has not been reported in the literature in individuals affected with MBD4-related conditions. An algorithm developed to predict the effect of missense changes on protein structure and function (PolyPhen-2) suggests that this variant is likely to be disruptive. In summary, the available evidence is currently insufficient to determine the role of this variant in disease. Therefore, it has been classified as a Variant of Uncertain Significance.

NM_001276270.2(MBD4):c.1526C>A (p.Thr509Asn)

Gene: MBD4 (methyl-CpG binding domain 4, DNA glycosylase; minus strand). Cytogenetic location: 3q21.3.
Variant type: single nucleotide variant.
Coding change: c.1526C>A on transcript NM_001276270.2 (MANE Select); coding-DNA position 1526, C replaced by A.
Protein change: p.Thr509Asn; replaces threonine 509 with asparagine.
Molecular consequence: missense variant.
Genome position (GRCh38, 1-based): chr3:129,433,115, G>T on the plus strand (C>A on the coding strand, the complement: MBD4 is on the minus strand). VCF-style: chr3-129433115-G-T. GRCh37 (hg19) VCF-style: chr3-129151958-G-T.
Other names: c.1544C>A, p.Thr515Asn (NM_001276271.2, NM_001276272.2, NM_003925.3); c.590C>A, p.Thr197Asn (NM_001276273.2); short protein forms T197N, T509N, T515N.
Identifiers: ClinVar variation 4725545 (VCV004725545.1).